The following is an entry in ClinVar:

ClinVar aggregate classification (germline): Conflicting classifications of pathogenicity. Review status: criteria provided, conflicting classifications (1 of 4 stars). 2 submissions from 2 submitters: Uncertain significance (1); Likely benign (1). Last evaluated 2025-03-24.

Conditions:
Brugada syndrome. Also called: Sudden unexpected nocturnal death syndrome; Sudden unexplained nocturnal death syndrome; Sudden Unexplained Death Syndrome; Sudden Unexplained Nocturnal Death Syndrome (SUNDS). Identifiers: Orphanet 130, MedGen C1142166, MONDO:0015263.
Cardiovascular phenotype. Identifiers: MedGen CN230736.

Allele frequency attached by ClinVar (database versions not stated): TOPMed 0.00001; ExAC 0.00007.
gnomAD v4.1: 29 of 1,607,012 alleles (0.0018%); highest among the groups gnomAD compares: Non-Finnish European, 0.0024%; no homozygotes.

Submissions (2):

Labcorp Genetics (formerly Invitae), Labcorp
Classification: Uncertain significance for Brugada syndrome. Last evaluated: 2025-03-24. Review status: criteria provided, single submitter. Criteria: Invitae Variant Classification Sherloc (09022015). Collection method: clinical testing. Allele origin: germline.
Comment: This sequence change replaces serine, which is neutral and polar, with tyrosine, which is neutral and polar, at codon 1053 of the SCN10A protein (p.Ser1053Tyr). This variant is present in population databases (rs777190579, gnomAD 0.01%). This variant has not been reported in the literature in individuals affected with SCN10A-related conditions. ClinVar contains an entry for this variant (Variation ID: 2625775). An algorithm developed to predict the effect of missense changes on protein structure and function (PolyPhen-2) suggests that this variant is likely to be disruptive. In summary, the available evidence is currently insufficient to determine the role of this variant in disease. Therefore, it has been classified as a Variant of Uncertain Significance.

Ambry Genetics
Classification: Likely benign for Cardiovascular phenotype. Last evaluated: 2023-08-31. Review status: criteria provided, single submitter. Criteria: Ambry Variant Classification Scheme 2023. Collection method: clinical testing. Allele origin: germline.

NM_006514.4(SCN10A):c.3158C>A (p.Ser1053Tyr)

Genes: SCN10A (sodium voltage-gated channel alpha subunit 10; minus strand), LOC110121288 (VISTA enhancer hs2268; plus strand). Cytogenetic location: 3p22.2.
Variant type: single nucleotide variant.
Coding change: c.3158C>A on transcript NM_006514.4 (MANE Select); coding-DNA position 3158, C replaced by A.
Protein change: p.Ser1053Tyr; replaces serine 1053 with tyrosine.
Molecular consequence: missense variant.
Genome position (GRCh38, 1-based): chr3:38,725,244, G>T on the plus strand (C>A on the coding strand, the complement: SCN10A is on the minus strand). VCF-style: chr3-38725244-G-T. GRCh37 (hg19) VCF-style: chr3-38766735-G-T.
Other names: c.3155C>A, p.Ser1052Tyr (NM_001293306.2); c.2864C>A, p.Ser955Tyr (NM_001293307.2); short protein forms S1053Y, S1052Y, S955Y.
Identifiers: ClinVar variation 2625775 (VCV002625775.3), dbSNP rs777190579, ClinGen allele CA2320335.